The following is an entry in ClinVar:

NM_015040.4(PIKFYVE):c.4521G>T (p.Arg1507Ser)

Gene: PIKFYVE (phosphoinositide kinase, FYVE-type zinc finger containing; plus strand). Cytogenetic location: 2q34.
Variant type: single nucleotide variant.
Coding change: c.4521G>T on transcript NM_015040.4 (MANE Select); coding-DNA position 4521, G replaced by T.
Protein change: p.Arg1507Ser; replaces arginine 1507 with serine.
Molecular consequence: missense variant.
Genome position (GRCh38, 1-based): chr2:208,336,838, G>T. VCF-style: chr2-208336838-G-T. GRCh37 (hg19) VCF-style: chr2-209201562-G-T.
Other names: short protein forms R1507S.
Identifiers: ClinVar variation 2497997 (VCV002497997.1), dbSNP rs2470567021, ClinGen allele CA350100522.
Genomic context (GRCh38, chr2:208,336,838, plus strand): 5'-CAGCACTCAAGGGGCTAGAAACAAACCATATATATATATATTTTTTGCTTTTGGCCACAG[G>T]TTGCAGGACCTTTTCCAACAGGAAAAGGGTAGAAAGAGACCTTCAGTTCCTCCAAGTCCT-3'
Protein context (NP_055855.2, residues 1497-1517): LCEVLQAWNN[Arg1507Ser]LQDLFQQEKG

ClinVar aggregate classification (germline): Uncertain significance (1 of 4 stars; one submission).

Submission:

GeneDx
Classification: Uncertain significance. Last evaluated: 2022-10-04. Review status: criteria provided, single submitter. Criteria: GeneDx Variant Classification Process June 2021. Collection method: clinical testing. Allele origin: germline. Affected: yes.
Comment: Not observed at significant frequency in large population cohorts (gnomAD); In silico analysis supports that this missense variant has a deleterious effect on protein structure/function; Has not been previously published as pathogenic or benign to our knowledge